The following is an entry in ClinVar:

ClinVar aggregate classification (germline): Uncertain significance (1 of 4 stars; one submission).

Allele frequency attached by ClinVar (database versions not stated): gnomAD 0.00002; TOPMed 0.00002; gnomAD exomes 0.00001.
gnomAD v4.1: 18 of 1,614,118 alleles (0.0011%); highest among the groups gnomAD compares: Admixed American, 0.0033%; no homozygotes.

Submission:

Labcorp Genetics (formerly Invitae), Labcorp
Classification: Uncertain significance. Last evaluated: 2026-01-26. Review status: criteria provided, single submitter. Criteria: Invitae Variant Classification Sherloc (09022015). Collection method: clinical testing. Allele origin: germline.
Comment: This sequence change replaces leucine, which is neutral and non-polar, with valine, which is neutral and non-polar, at codon 1420 of the SORL1 protein (p.Leu1420Val). This variant is present in population databases (rs766056869, gnomAD 0.003%). This variant has not been reported in the literature in individuals affected with SORL1-related conditions. ClinVar contains an entry for this variant (Variation ID: 3021251). An algorithm developed to predict the effect of missense changes on protein structure and function (PolyPhen-2) suggests that this variant is likely to be tolerated. In summary, the available evidence is currently insufficient to determine the role of this variant in disease. Therefore, it has been classified as a Variant of Uncertain Significance.

NM_003105.6(SORL1):c.4258C>G (p.Leu1420Val)

Gene: SORL1 (sortilin related receptor 1; plus strand). Cytogenetic location: 11q24.1.
Variant type: single nucleotide variant.
Coding change: c.4258C>G on transcript NM_003105.6 (MANE Select); coding-DNA position 4258, C replaced by G.
Protein change: p.Leu1420Val; replaces leucine 1420 with valine.
Molecular consequence: missense variant.
Genome position (GRCh38, 1-based): chr11:121,591,045, C>G. VCF-style: chr11-121591045-C-G. GRCh37 (hg19) VCF-style: chr11-121461754-C-G.
Other names: short protein forms L1420V.
Identifiers: ClinVar variation 3021251 (VCV003021251.3), dbSNP rs766056869, ClinGen allele CA229865908.